The following is an entry in ClinVar:

NM_001199107.2(TBC1D24):c.1620C>T (p.Ser540=)

Gene: TBC1D24 (TBC1 domain family member 24; plus strand). Cytogenetic location: 16p13.3.
Variant type: single nucleotide variant.
Coding change: c.1620C>T on transcript NM_001199107.2 (MANE Select); coding-DNA position 1620, C replaced by T.
Protein change: p.Ser540=; no amino-acid change (serine 540 retained).
Molecular consequence: synonymous variant.
Genome position (GRCh38, 1-based): chr16:2,500,898, C>T. VCF-style: chr16-2500898-C-T. GRCh37 (hg19) VCF-style: chr16-2550899-C-T.
Other names: c.1602C>T, p.Ser534= (NM_020705.3).
Identifiers: ClinVar variation 378708 (VCV000378708.22), dbSNP rs781723084, ClinGen allele CA7844361.

ClinVar aggregate classification (germline): Conflicting classifications of pathogenicity. Review status: criteria provided, conflicting classifications (1 of 4 stars). 4 submissions from 4 submitters: Uncertain significance (1); Likely benign (3). Last evaluated 2025-06-01.

Conditions:
Developmental and epileptic encephalopathy, 1 (DEE1). Also called: OHTAHARA SYNDROME, X-LINKED; X-linked infantile spasms; West's syndrome; Tonic spasms with clustering, arrest of psychomotor development and hypsarrhythmia on EEG; X-Linked Infantile Spasm Syndrome; Epileptic encephalopathy, early infantile, 1. Identifiers: MedGen C3463992, MONDO:0010632, OMIM 308350. Disease mechanism: loss of function.
Autosomal dominant nonsyndromic hearing loss 65. Also called: TBC1D24-Related Autosomal Dominant Nonsyndromic Hearing Loss (DFNA); Deafness, autosomal dominant 65. Identifiers: Orphanet 90635, MedGen C3892048, MONDO:0014470, OMIM 616044.

Allele frequency attached by ClinVar (database versions not stated): gnomAD exomes 0.00003; ExAC 0.00004; gnomAD 0.00010 and 0.00011; TOPMed 0.00011.

Submissions (4):

CeGaT Center for Human Genetics Tuebingen
Classification: Likely benign. Last evaluated: 2025-06-01. Review status: criteria provided, single submitter. Criteria: CeGaT Center For Human Genetics Tuebingen Variant Classification Criteria Version 2. Collection method: clinical testing. Allele origin: germline. Affected: yes. Observed: 1 variant allele.
Comment: TBC1D24: BP4, BP7

Labcorp Genetics (formerly Invitae), Labcorp
Classification: Likely benign for Developmental and epileptic encephalopathy, 1; Autosomal dominant nonsyndromic hearing loss 65. Last evaluated: 2025-05-02. Review status: criteria provided, single submitter. Criteria: Invitae Variant Classification Sherloc (09022015). Collection method: clinical testing. Allele origin: germline.

Eurofins Ntd Llc (ga)
Classification: Uncertain significance. Last evaluated: 2017-07-24. Review status: criteria provided, single submitter. Criteria: EGL Classification Definitions 2015. Collection method: clinical testing. Allele origin: germline. Observed: 1 variant allele, 1 heterozygote.

GeneDx
Classification: Likely benign. Last evaluated: 2017-04-14. Review status: criteria provided, single submitter. Criteria: GeneDx Variant Classification (06012015). Collection method: clinical testing. Allele origin: germline. Affected: yes.
Comment: This variant is considered likely benign or benign based on one or more of the following criteria: it is a conservative change, it occurs at a poorly conserved position in the protein, it is predicted to be benign by multiple in silico algorithms, and/or has population frequency not consistent with disease.